The following is an entry in ClinVar:

ClinVar aggregate classification (germline): Uncertain significance (1 of 4 stars; one submission).

Submission:

CeGaT Center for Human Genetics Tuebingen
Classification: Uncertain significance. Last evaluated: 2025-04-01. Review status: criteria provided, single submitter. Criteria: CeGaT Center For Human Genetics Tuebingen Variant Classification Criteria Version 2. Collection method: clinical testing. Allele origin: germline. Affected: yes. Observed: 1 variant allele.
Comment: PARP1: PM2

NM_001618.4(PARP1):c.1236T>G (p.Ile412Met)

Gene: PARP1 (poly(ADP-ribose) polymerase 1; minus strand). Cytogenetic location: 1q42.12.
Variant type: single nucleotide variant.
Coding change: c.1236T>G on transcript NM_001618.4 (MANE Select); coding-DNA position 1236, T replaced by G.
Protein change: p.Ile412Met; replaces isoleucine 412 with methionine.
Molecular consequence: missense variant.
Genome position (GRCh38, 1-based): chr1:226,381,132, A>C on the plus strand (T>G on the coding strand, the complement: PARP1 is on the minus strand). VCF-style: chr1-226381132-A-C. GRCh37 (hg19) VCF-style: chr1-226568833-A-C.
Other names: short protein forms I412M.
Identifiers: ClinVar variation 3905751 (VCV003905751.10).